The following is an entry in ClinVar:

ClinVar aggregate classification (germline): Likely benign (1 of 4 stars; one submission).

Submission:

CeGaT Center for Human Genetics Tuebingen
Classification: Likely benign. Last evaluated: 2026-07-01. Review status: criteria provided, single submitter. Criteria: CeGaT Center For Human Genetics Tuebingen Variant Classification Criteria Version 2. Collection method: clinical testing. Allele origin: germline. Affected: yes. Observed: 1 variant allele.
Comment: CHD6: BP4, BP7

NM_032221.5(CHD6):c.1089G>A (p.Thr363=)

Gene: CHD6 (chromodomain helicase DNA binding protein 6; minus strand). Cytogenetic location: 20q12.
Variant type: single nucleotide variant.
Coding change: c.1089G>A on transcript NM_032221.5 (MANE Select); coding-DNA position 1089, G replaced by A.
Protein change: p.Thr363=; no amino-acid change (threonine 363 retained).
Molecular consequence: synonymous variant.
Genome position (GRCh38, 1-based): chr20:41,497,387, C>T on the plus strand (G>A on the coding strand, the complement: CHD6 is on the minus strand). VCF-style: chr20-41497387-C-T. GRCh37 (hg19) VCF-style: chr20-40126027-C-T.
Identifiers: ClinVar variation 5039407 (VCV005039407.1).